The following continues an entry in ClinVar:

NM_000070.3(CAPN3):c.550del (p.Thr184fs)

Gene: CAPN3. ClinVar aggregate classification (germline): Pathogenic. Pathogenic (1).

Submissions 24 to 36 of 51:

Molecular Genetics, Royal Melbourne Hospital
Classification: Pathogenic for Autosomal recessive limb-girdle muscular dystrophy type 2A. Last evaluated: 2023-05-04. Review status: criteria provided, single submitter. Criteria: ACMG Guidelines, 2015. Collection method: clinical testing. Allele origin: germline. Affected: yes. Not counted in ClinVar's aggregate classification.
Comment: This sequence change in CAPN3 is a frameshift variant predicted to cause a premature stop codon, p.(Thr184Argfs*36), in biologically relevant exon 5/24 leading to nonsense-mediated decay in a gene in which loss-of-function is an established disease mechanism. The highest population minor allele frequency in the population database gnomAD v2.1 is 0.045% (58/129,162 alleles) in the European (non-Finnish) population, which is consistent with recessive disease. This variant is one of the most commonly reported pathogenic variants in CAPN3 and has been detected in the homozygous state and compound heterozygous with a second pathogenic allele in multiple individuals with limb-girdle muscular dystrophy (PMID: 7720071, 14981715, 20301490). Based on the classification scheme RMH Modified ACMG/AMP Guidelines v1.6.1, this variant is classified as PATHOGENIC. Following criteria are met: PVS1, PM3_Strong, PM2_Supporting.

Department of Pathology and Laboratory Medicine, Sinai Health System
Classification: Pathogenic for Autosomal recessive limb-girdle muscular dystrophy type 2A. Last evaluated: 2022-12-31. Review status: criteria provided, single submitter. Criteria: ACMG Guidelines, 2015. Collection method: research. Allele origin: germline. Not counted in ClinVar's aggregate classification.

MGZ Medical Genetics Center
Classification: Pathogenic for Autosomal recessive limb-girdle muscular dystrophy type 2A. Last evaluated: 2022-08-10. Review status: criteria provided, single submitter. Criteria: ACMG Guidelines, 2015. Collection method: clinical testing. Allele origin: germline. Affected: yes. Observed: 8 variant alleles. Not counted in ClinVar's aggregate classification.
Comment: ACMG criteria applied: PVS1, PS3, PS4_MOD, PM3, PM2_SUP, PP1

GeneDx
Classification: Pathogenic. Last evaluated: 2022-03-17. Review status: criteria provided, single submitter. Criteria: GeneDx Variant Classification Process June 2021. Collection method: clinical testing. Allele origin: germline. Affected: yes. Not counted in ClinVar's aggregate classification.
Comment: Reported to be a founder mutation in European, Russian, La Reunion Island, and Amish populations (Richard et al., 1995; Canki-Klain et al., 2004; Todorova et al., 2007); Published functional studies suggest loss of normal protein function through nonsense-mediated mRNA decay (Stehlikova et al., 2007); Frameshift variant predicted to result in protein truncation or nonsense mediated decay in a gene for which loss-of-function is a known mechanism of disease; This variant is associated with the following publications: (PMID: 21204801, 21984748, 16001438, 16100770, 19556129, 26484845, 14981715, 16141003, 20635405, 17157502, 7720071, 14578192, 17702496, 16411092, 20517216, 27142102, 17318636, 28914264, 30028523, 30919934, 31517061, 31263448, 31788660, 31862442, 32403337, 30585608, 31127727, 34426522, 34106991, 32140910, 31589614, 33726816, 32721234, 32528171)

Dasa
Classification: Pathogenic for CAPN3-related disorder. Last evaluated: 2022-03-05. Review status: criteria provided, single submitter. Criteria: ACMG Guidelines, 2015. Collection method: clinical testing. Allele origin: germline. Affected: yes. Observed: 1 variant allele. Not counted in ClinVar's aggregate classification.
Comment: The c.550delA;p.(Thr184Argfs*36) is a null frameshift variant (NMD) in the CAPN3 gene and predicts alteration of the nonsense-mediate decay - NMD is present in a relevant exon to the transcript - PVS1. Well-established in vitro or in vivo functional studies supportive of a damaging effect on the gene or gene product (PMID: 15221789; 15725583; 20635405) - PS3_moderate. This sequence change has been observed in affected individual(s) and ClinVar contains an entry for this variant (ClinVar ID: 17621; PMID: 14578192; PMID: 7720071; PMID: 21984748; PMID: 17318636; PMID: 10679950; PMID: 14981715; PMID: 16100770; PMID: 21204801; PMID: 15689361; PMID: 9266733; PMID: 15725583) - PS4. The variant is present at low allele frequencies population databases (rs80338800 – gnomAD 0.001971%; ABraOM no frequency) - PM2_supporting. The p.(Thr184Argfs*36) was detected in trans with a pathogenic variant (PMID: 26404900) - PM3. In summary, the currently available evidence indicates that the variant is pathogenic.

Genetics Laboratory, UDIAT-Centre Diagnòstic, Hospital Universitari Parc Tauli
Classification: Pathogenic. Last evaluated: 2021-04-26. Review status: criteria provided, single submitter. Criteria: Parc Tauli Hospital Assertion Criteria 2021. Collection method: clinical testing. Allele origin: unknown. Inheritance: Autosomal recessive inheritance. Affected: yes. Observed: 1 compound heterozygote. Not counted in ClinVar's aggregate classification.
Comment: PVS1_very strong;PP5_strong;PM2_supporting

Kariminejad - Najmabadi Pathology & Genetics Center
Classification: Pathogenic for Autosomal recessive limb-girdle muscular dystrophy type 2A. Last evaluated: 2020-10-28. Review status: criteria provided, single submitter. Criteria: ACMG Guidelines, 2015. Collection method: clinical testing. Allele origin: germline. Inheritance: Autosomal recessive inheritance. Affected: yes. Not counted in ClinVar's aggregate classification.
Comment: [PVS1, PM2, PP3, PP5 (strong)]

Institute of Medical Genetics and Applied Genomics, University Hospital Tübingen
Classification: Pathogenic. Last evaluated: 2020-10-23. Review status: criteria provided, single submitter. Criteria: ACMG Guidelines, 2015. Collection method: clinical testing. Allele origin: germline. Inheritance: Unknown mechanism. Affected: yes. Not counted in ClinVar's aggregate classification.

Myriad Genetics, Inc.
Classification: Pathogenic for Autosomal recessive limb-girdle muscular dystrophy type 2A. Last evaluated: 2019-12-20. Review status: criteria provided, single submitter. Criteria: Myriad Women's Health Autosomal Recessive and X-Linked Classification Criteria (2019). Collection method: clinical testing. Allele origin: unknown. Not counted in ClinVar's aggregate classification.
Comment: NM_000070.2(CAPN3):c.550delA(aka T184Rfs*36) is classified as pathogenic in the context of calpainopathy. Sources cited for classification include the following: PMID 17318636. Classification of NM_000070.2(CAPN3):c.550delA(aka T184Rfs*36) is based on the following criteria: The variant causes a premature termination codon that is expected to be targeted by nonsense-mediated mRNA decay and is reported in individuals with the relevant phenotype. Please note: this variant was assessed in the context of healthy population screening.

Clinical Genetics and Genomics, Karolinska University Hospital
Classification: Pathogenic. Last evaluated: 2019-02-08. Review status: criteria provided, single submitter. Criteria: ACMG Guidelines, 2015. Collection method: clinical testing. Allele origin: germline. Affected: yes. Observed: 1 variant allele. Not counted in ClinVar's aggregate classification.

Genetic Diseases Diagnostic Center, Koc University Hospital
Classification: Likely pathogenic for Autosomal recessive limb-girdle muscular dystrophy type 2A. Last evaluated: 2018-12-18. Review status: criteria provided, single submitter. Criteria: ACMG Guidelines, 2015. Collection method: clinical testing. Allele origin: germline. Inheritance: Autosomal recessive inheritance. Affected: yes. Not counted in ClinVar's aggregate classification.

Broad Center for Mendelian Genomics, Broad Institute of MIT and Harvard
Classification: Pathogenic for Autosomal recessive limb-girdle muscular dystrophy type 2A. Last evaluated: 2018-12-03. Review status: criteria provided, single submitter. Criteria: ACMG Guidelines, 2015. Collection method: research. Allele origin: germline. Inheritance: Autosomal recessive inheritance. Affected: yes. Not counted in ClinVar's aggregate classification.
Comment: The presence of this variant in 8 homozygotes with LGMD increases the likelihood that the p.Thr184ArgfsTer36 variant is pathogenic (PMID: 27142102). This variant has been identified in 0.0002381% (66/277194) of chromosomes in the Genome Aggregation Database (gnomAD; dbSNP rs762960425) as well as 9 additional individuals by our study. Although this variant has been seen in the general population, the frequency is low enough to be consistent with a recessive carrier frequency. This variant is predicted to cause a frameshift, which alters the protein's amino acid sequence beginning at position 184 and leads to a premature termination codon 36 amino acids downstream. This alteration is then predicted to lead to a truncated or absent protein. Loss of function of the CAPN3 gene is an established disease mechanism in autosomal recessive Limb-Girdle Muscular Dystrophy. This variant has also been reported pathogenic in ClinVar by multiple submitters (Variation ID: 17621). In summary, the clinial significance of p.Thr184ArgfsTer36 variant is pathogenic. ACMG/AMP Criteria applied: PM2, PVS1, PM3 (Richards 2015).

Genetic Services Laboratory, University of Chicago
Classification: Pathogenic. Last evaluated: 2018-06-12. Review status: criteria provided, single submitter. Criteria: ACMG Guidelines, 2015. Collection method: clinical testing. Allele origin: germline. Affected: yes. Not counted in ClinVar's aggregate classification.
Comment: DNA sequence analysis of the CAPN3 gene demonstrated a one base pair deletion in exon 4, c.550del. This pathogenic sequence change results in an amino acid frameshift and creates a premature stop codon 35 amino acids downstream of the varant, p.Thr184Argfs*36. This pathogenic sequence change is predicted to result in an abnormal transcript, which may be degraded, or may lead to the production of a truncated CAPN3 protein with potentially abnormal function. This pathogenic sequence change has previously been described in multiple patients with limb girdle muscular dystrophy and is reported to be a founder mutation in European, Russian and Amish populations (PMIDs: 17318636, 14981715).